The following is an entry in ClinVar:

ClinVar aggregate classification (germline): Benign/Likely benign. Review status: criteria provided, multiple submitters, no conflicts (2 of 4 stars). 4 submissions from 4 submitters: Benign (2); Likely benign (1). 1 of the submissions does not count toward it. Last evaluated 2026-01-26.

Conditions:
PRMT7-related disorder. Also called: PRMT7-related condition.

Allele frequency attached by ClinVar (database versions not stated): ESP Exome Variant Server 0.00085; 1000 Genomes Project 0.00100; TOPMed 0.00100; 1000 Genomes Project 30x 0.00109; gnomAD 0.00360.
gnomAD v4.1: 2,033 of 1,613,920 alleles (0.13%); highest among the groups gnomAD compares: Non-Finnish European, 0.15%; 10 homozygotes.

Submissions (4):

Labcorp Genetics (formerly Invitae), Labcorp
Classification: Benign. Last evaluated: 2026-01-26. Review status: criteria provided, single submitter. Criteria: Invitae Variant Classification Sherloc (09022015). Collection method: clinical testing. Allele origin: germline.

CeGaT Center for Human Genetics Tuebingen
Classification: Likely benign. Last evaluated: 2026-01-01. Review status: criteria provided, single submitter. Criteria: CeGaT Center For Human Genetics Tuebingen Variant Classification Criteria Version 2. Collection method: clinical testing. Allele origin: germline. Affected: yes. Observed: 10 variant alleles.
Comment: PRMT7: BP4, BS2

Breakthrough Genomics
Classification: Benign. Review status: criteria provided, single submitter. Criteria: ACMG Guidelines, 2015. Collection method: not provided. Allele origin: germline. Inheritance: Autosomal recessive inheritance. Affected: yes.

PreventionGenetics, part of Exact Sciences
Classification: Likely benign for PRMT7-related condition. Last evaluated: 2024-03-11. Review status: no assertion criteria provided. Collection method: clinical testing. Allele origin: germline. Not counted in ClinVar's aggregate classification.
Comment: This variant is classified as likely benign based on ACMG/AMP sequence variant interpretation guidelines (Richards et al. 2015 PMID: 25741868, with internal and published modifications).

NM_019023.5(PRMT7):c.1079G>A (p.Arg360His)

Gene: PRMT7 (protein arginine methyltransferase 7; plus strand). Cytogenetic location: 16q22.1.
Variant type: single nucleotide variant.
Coding change: c.1079G>A on transcript NM_019023.5 (MANE Select); coding-DNA position 1079, G replaced by A.
Protein change: p.Arg360His; replaces arginine 360 with histidine.
Molecular consequence: missense variant. On other transcripts: non-coding transcript variant (12).
Genome position (GRCh38, 1-based): chr16:68,346,168, G>A. VCF-style: chr16-68346168-G-A. GRCh37 (hg19) VCF-style: chr16-68380071-G-A.
Other names: c.929G>A, p.Arg310His (NM_001184824.4); c.1079G>A, p.Arg360His (NM_001290018.2, NM_001351143.3, NM_001351144.3 and 1 more transcripts); c.872G>A, p.Arg291His (NM_001378020.1); c.842G>A, p.Arg281His (NM_001378021.1, NM_001378022.1, NM_001378023.1); short protein forms R310H, R360H, R281H, R291H.
Identifiers: ClinVar variation 734562 (VCV000734562.33), dbSNP rs145640515, ClinGen allele CA8127324.